The following is an entry in ClinVar:

NM_000152.5(GAA):c.2536G>A (p.Ala846Thr)

Gene: GAA (alpha glucosidase; plus strand). Cytogenetic location: 17q25.3.
Variant type: single nucleotide variant.
Coding change: c.2536G>A on transcript NM_000152.5 (MANE Select); coding-DNA position 2536, G replaced by A.
Protein change: p.Ala846Thr; replaces alanine 846 with threonine.
Molecular consequence: missense variant.
Genome position (GRCh38, 1-based): chr17:80,118,247, G>A. VCF-style: chr17-80118247-G-A. GRCh37 (hg19) VCF-style: chr17-78092046-G-A.
Other names: c.2536G>A, p.Ala846Thr (NM_001079804.3, NM_001079803.3); short protein forms A846T.
Identifiers: ClinVar variation 1357045 (VCV001357045.6), dbSNP rs1464282302, ClinGen allele CA401326104.

ClinVar aggregate classification (germline): Uncertain significance. Review status: criteria provided, multiple submitters, no conflicts (2 of 4 stars). 2 submissions from 2 submitters: Uncertain significance (2). Last evaluated 2021-12-07.

Conditions:
Glycogen storage disease, type II (IOPD). Also called: Glucosidase acid-1,4-alpha deficiency; Pompe Disease; POMPE DISEASE, INFANTILE-ONSET; GLYCOGEN STORAGE DISEASE II, INFANTILE-ONSET; ACID ALPHA-GLUCOSIDASE DEFICIENCY, INFANTILE-ONSET; GAA DEFICIENCY, INFANTILE-ONSET. Identifiers: Orphanet 365, MedGen C0017921, MONDO:0009290, OMIM 232300.

Allele frequency attached by ClinVar (database versions not stated): TOPMed below 0.00001; gnomAD 0.00001.
gnomAD v4.1: 2 of 1,612,420 alleles (0.00012%); highest among the groups gnomAD compares: South Asian, 0.0011%; no homozygotes.

Submissions (2):

Labcorp Genetics (formerly Invitae), Labcorp
Classification: Uncertain significance for Glycogen storage disease, type II. Last evaluated: 2021-12-07. Review status: criteria provided, single submitter. Criteria: Invitae Variant Classification Sherloc (09022015). Collection method: clinical testing. Allele origin: germline.
Comment: This variant has not been reported in the literature in individuals affected with GAA-related conditions. In summary, the available evidence is currently insufficient to determine the role of this variant in disease. Therefore, it has been classified as a Variant of Uncertain Significance. Algorithms developed to predict the effect of missense changes on protein structure and function are either unavailable or do not agree on the potential impact of this missense change (SIFT: "Deleterious"; PolyPhen-2: "Benign"; Align-GVGD: "Class C55"). This variant is not present in population databases (gnomAD no frequency). This sequence change replaces alanine, which is neutral and non-polar, with threonine, which is neutral and polar, at codon 846 of the GAA protein (p.Ala846Thr).

Revvity Omics, Revvity
Classification: Uncertain significance. Last evaluated: 2020-12-31. Review status: criteria provided, single submitter. Criteria: ACMG Guidelines, 2015. Collection method: clinical testing. Allele origin: germline.